The following is an entry in ClinVar:

NM_198525.3(KIF7):c.3201G>T (p.Gln1067His)

Gene: KIF7 (kinesin family member 7; minus strand). Cytogenetic location: 15q26.1.
Variant type: single nucleotide variant.
Coding change: c.3201G>T on transcript NM_198525.3 (MANE Select); coding-DNA position 3201, G replaced by T.
Protein change: p.Gln1067His; replaces glutamine 1067 with histidine.
Molecular consequence: missense variant.
Genome position (GRCh38, 1-based): chr15:89,630,404, C>A on the plus strand (G>T on the coding strand, the complement: KIF7 is on the minus strand). VCF-style: chr15-89630404-C-A. GRCh37 (hg19) VCF-style: chr15-90173635-C-A.
Other names: c.3201G>T (NM_198525.2); short protein forms Q1067H.
Identifiers: ClinVar variation 1910943 (VCV001910943.6), dbSNP rs201342316, ClinGen allele CA7727800.

ClinVar aggregate classification (germline): Uncertain significance. Review status: criteria provided, multiple submitters, no conflicts (2 of 4 stars). 2 submissions from 2 submitters: Uncertain significance (2). Last evaluated 2025-10-21.

Conditions:
Inborn genetic diseases. Identifiers: MedGen C0950123, MeSH D030342.
Acrocallosal syndrome (ACLS). Also called: HALLUX DUPLICATION, POSTAXIAL POLYDACTYLY, AND ABSENCE OF CORPUS CALLOSUM; Schinzel syndrome 1; Absence of corpus callosum with unusual facial appearance, mental deficiency, duplication of the halluces and polydactyly. Identifiers: Orphanet 36, MedGen C0796147, MONDO:0008708, OMIM 200990.

gnomAD v4.1: 11 of 1,611,878 alleles (0.00068%); highest among the groups gnomAD compares: Non-Finnish European, 0.00093%; no homozygotes.

Submissions (2):

Ambry Genetics
Classification: Uncertain significance for Inborn genetic diseases. Last evaluated: 2025-10-21. Review status: criteria provided, single submitter. Criteria: Ambry Variant Classification Scheme 2023. Collection method: clinical testing. Allele origin: germline.

Labcorp Genetics (formerly Invitae), Labcorp
Classification: Uncertain significance for Acrocallosal syndrome. Last evaluated: 2022-02-20. Review status: criteria provided, single submitter. Criteria: Invitae Variant Classification Sherloc (09022015). Collection method: clinical testing. Allele origin: germline.
Comment: This variant has not been reported in the literature in individuals affected with KIF7-related conditions. In summary, the available evidence is currently insufficient to determine the role of this variant in disease. Therefore, it has been classified as a Variant of Uncertain Significance. Algorithms developed to predict the effect of missense changes on protein structure and function are either unavailable or do not agree on the potential impact of this missense change (SIFT: "Deleterious"; PolyPhen-2: "Probably Damaging"; Align-GVGD: "Class C15"). This variant is present in population databases (rs201342316, gnomAD 0.0009%). This sequence change replaces glutamine, which is neutral and polar, with histidine, which is basic and polar, at codon 1067 of the KIF7 protein (p.Gln1067His).